The following is an entry in ClinVar:

ClinVar aggregate classification (germline): Benign/Likely benign. Review status: criteria provided, multiple submitters, no conflicts (2 of 4 stars). 6 submissions from 6 submitters: Benign (3); Likely benign (1). 2 of the submissions do not count toward it. Last evaluated 2026-02-01.

Allele frequency attached by ClinVar (database versions not stated): gnomAD exomes 0.00021 and 0.00060; ExAC 0.00077; gnomAD 0.00216 and 0.00238; TOPMed 0.00221; 1000 Genomes Project 0.00240; ESP Exome Variant Server 0.00261; 1000 Genomes Project 30x 0.00265.

Submissions (6):

Labcorp Genetics (formerly Invitae), Labcorp
Classification: Benign. Last evaluated: 2026-02-01. Review status: criteria provided, single submitter. Criteria: Invitae Variant Classification Sherloc (09022015). Collection method: clinical testing. Allele origin: germline.

Mayo Clinic Laboratories, Mayo Clinic
Classification: Benign. Last evaluated: 2025-04-11. Review status: criteria provided, single submitter. Criteria: ACMG Guidelines, 2015. Collection method: clinical testing. Allele origin: germline. Observed: 1 variant allele.
Comment: BA1, BP4, BP7

Blueprint Genetics
Classification: Likely benign. Last evaluated: 2024-11-06. Review status: criteria provided, single submitter. Criteria: ACMG Guidelines, 2015. Collection method: clinical testing. Allele origin: germline.

Breakthrough Genomics
Classification: Benign. Review status: criteria provided, single submitter. Criteria: ACMG Guidelines, 2015. Collection method: not provided. Allele origin: germline. Inheritance: Autosomal recessive inheritance. Affected: yes.

Clinical Genetics DNA and cytogenetics Diagnostics Lab, Erasmus MC, Erasmus Medical Center
Classification: Likely benign. Review status: no assertion criteria provided. Collection method: clinical testing. Allele origin: germline. Affected: yes. Study: VKGL Data-share Consensus. Not counted in ClinVar's aggregate classification.

Clinical Genetics, Academic Medical Center
Classification: Benign. Review status: no assertion criteria provided. Collection method: clinical testing. Allele origin: germline. Affected: yes. Study: VKGL Data-share Consensus. Not counted in ClinVar's aggregate classification.

NM_024747.6(HPS6):c.1458G>A (p.Ala486=)

Gene: HPS6 (HPS6 biogenesis of lysosomal organelles complex 2 subunit 3; plus strand). Cytogenetic location: 10q24.32.
Variant type: single nucleotide variant.
Coding change: c.1458G>A on transcript NM_024747.6 (MANE Select); coding-DNA position 1458, G replaced by A.
Protein change: p.Ala486=; no amino-acid change (alanine 486 retained).
Molecular consequence: synonymous variant.
Genome position (GRCh38, 1-based): chr10:102,066,932, G>A. VCF-style: chr10-102066932-G-A. GRCh37 (hg19) VCF-style: chr10-103826689-G-A.
Other names: p.Ala486=.
Identifiers: ClinVar variation 727099 (VCV000727099.17), dbSNP rs149757188, ClinGen allele CA5659986.
Genomic context (GRCh38, chr10:102,066,932, plus strand): 5'-ACAGCTGAAGGCCCAGCTGGTGGCTGGGGATGATGAGGAGGCTGGTTGGACTGAGCTGGC[G>A]GAGCAGGAAGTGGCACGCCTGCTGAGGACTGAGTTGATAGGAGACCAGCTAGCCCAGCTC-3'
Protein context (NP_079023.2, residues 476-496): DDEEAGWTEL[Ala486=]EQEVARLLRT